The following is an entry in ClinVar:

ClinVar aggregate classification (germline): Likely benign. Review status: criteria provided, multiple submitters, no conflicts (2 of 4 stars). 3 submissions from 3 submitters: Likely benign (3). Last evaluated 2024-08-29.

Conditions:
Dilated cardiomyopathy 1G (CMD1G). Identifiers: Orphanet 154, MedGen C1858763, MONDO:0011400, OMIM 604145.
Autosomal recessive limb-girdle muscular dystrophy type 2J (LGMDR10). Also called: Limb-girdle muscular dystrophy, type 2J; MUSCULAR DYSTROPHY, LIMB-GIRDLE, AUTOSOMAL RECESSIVE 10. Identifiers: Orphanet 140922, MedGen C1837342, MONDO:0012127, OMIM 608807.
Cardiovascular phenotype. Identifiers: MedGen CN230736.

Allele frequency attached by ClinVar (database versions not stated): ExAC 0.00001; gnomAD 0.00001; gnomAD exomes 0.00001; TOPMed 0.00001.
gnomAD v4.1: 13 of 1,613,984 alleles (0.00081%); highest among the groups gnomAD compares: Non-Finnish European, 0.0011%; no homozygotes.

Submissions (3):

Labcorp Genetics (formerly Invitae), Labcorp
Classification: Likely benign for Dilated cardiomyopathy 1G; Autosomal recessive limb-girdle muscular dystrophy type 2J. Last evaluated: 2024-08-29. Review status: criteria provided, single submitter. Criteria: Invitae Variant Classification Sherloc (09022015). Collection method: clinical testing. Allele origin: germline.

CeGaT Center for Human Genetics Tuebingen
Classification: Likely benign. Last evaluated: 2024-08-01. Review status: criteria provided, single submitter. Criteria: CeGaT Center For Human Genetics Tuebingen Variant Classification Criteria Version 2. Collection method: clinical testing. Allele origin: germline. Affected: yes. Observed: 1 variant allele.
Comment: TTN: BP4, BP7

Ambry Genetics
Classification: Likely benign for Cardiovascular phenotype. Last evaluated: 2023-08-11. Review status: criteria provided, single submitter. Criteria: Ambry Variant Classification Scheme 2023. Collection method: clinical testing. Allele origin: germline.

NM_001267550.2(TTN):c.8067T>C (p.Tyr2689=)

Gene: TTN (titin; minus strand). Cytogenetic location: 2q31.2.
Variant type: single nucleotide variant.
Coding change: c.8067T>C on transcript NM_001267550.2 (MANE Select); coding-DNA position 8067, T replaced by C.
Protein change: p.Tyr2689=; no amino-acid change (tyrosine 2689 retained).
Molecular consequence: synonymous variant.
Genome position (GRCh38, 1-based): chr2:178,771,260, A>G on the plus strand (T>C on the coding strand, the complement: TTN is on the minus strand). VCF-style: chr2-178771260-A-G. GRCh37 (hg19) VCF-style: chr2-179635987-A-G.
Other names: c.8067T>C, p.Tyr2689= (NM_001256850.1, NM_133378.4, NM_133379.5); c.7929T>C, p.Tyr2643= (NM_003319.4, NM_133432.3, NM_133437.4).
Identifiers: ClinVar variation 726839 (VCV000726839.23), dbSNP rs772918817, ClinGen allele CA2004690.